The following is an entry in ClinVar:

NM_025114.4(CEP290):c.1065+1G>A

Gene: CEP290 (centrosomal protein 290; minus strand). Cytogenetic location: 12q21.32.
Variant type: single nucleotide variant.
Coding change: c.1065+1G>A on transcript NM_025114.4 (MANE Select); the canonical splice donor site of the intron after coding-DNA position 1065, G replaced by A.
Molecular consequence: splice donor variant.
Genome position (GRCh38, 1-based): chr12:88,126,315, C>T on the plus strand (G>A on the coding strand, the complement: CEP290 is on the minus strand). VCF-style: chr12-88126315-C-T. GRCh37 (hg19) VCF-style: chr12-88520092-C-T.
Identifiers: ClinVar variation 2034576 (VCV002034576.5), dbSNP rs2138021203, ClinGen allele CA385982540.

ClinVar aggregate classification (germline): Likely pathogenic. Review status: criteria provided, multiple submitters, no conflicts (2 of 4 stars). 2 submissions from 2 submitters: Likely pathogenic (2). Last evaluated 2023-04-11.

Conditions:
Joubert syndrome. Also called: Familial aplasia of the vermis; JOUBERT-BOLTSHAUSER SYNDROME. Identifiers: Orphanet 475, MedGen C5979921, MONDO:0018772.
Nephronophthisis. Also called: Juvenile Nephronophthisis. Identifiers: Orphanet 655, MedGen C0687120, MONDO:0019005, HP:0000090.
Meckel-Gruber syndrome. Also called: DYSENCEPHALIA SPLANCHNOCYSTICA; GRUBER SYNDROME; Dysencephalia splachnocystica. Identifiers: Orphanet 564, MedGen C0265215, MONDO:0018921.
CEP290-related disorder. Also called: CEP290-related condition; CEP290-related disorders. Identifiers: MedGen CN239314.

Allele frequency attached by ClinVar (database versions not stated): gnomAD exomes below 0.00001.
gnomAD v4.1: 4 of 1,455,110 alleles (0.00027%); highest among the groups gnomAD compares: Non-Finnish European, 0.00036%; no homozygotes.

Submissions (2):

Blueprint Genetics
Classification: Likely pathogenic for CEP290-related disorders. Last evaluated: 2023-04-11. Review status: criteria provided, single submitter. Criteria: ACMG Guidelines, 2015. Collection method: clinical testing. Allele origin: germline. Affected: yes. Observed: 5 variant alleles.

Labcorp Genetics (formerly Invitae), Labcorp
Classification: Likely pathogenic for Joubert syndrome; Meckel-Gruber syndrome; Nephronophthisis. Last evaluated: 2022-10-07. Review status: criteria provided, single submitter. Criteria: Invitae Variant Classification Sherloc (09022015). Collection method: clinical testing. Allele origin: germline.
Comment: In summary, the currently available evidence indicates that the variant is pathogenic, but additional data are needed to prove that conclusively. Therefore, this variant has been classified as Likely Pathogenic. Algorithms developed to predict the effect of sequence changes on RNA splicing suggest that this variant may disrupt the consensus splice site. This variant has not been reported in the literature in individuals affected with CEP290-related conditions. This variant is not present in population databases (gnomAD no frequency). This sequence change affects a donor splice site in intron 12 of the CEP290 gene. It is expected to disrupt RNA splicing. Variants that disrupt the donor or acceptor splice site typically lead to a loss of protein function (PMID: 16199547), and loss-of-function variants in CEP290 are known to be pathogenic (PMID: 16909394, 17345604, 20690115).

Literature cited by the submitters: PubMed 16199547 (cited by Labcorp Genetics (formerly Invitae), Labcorp); PubMed 16909394 (cited by Labcorp Genetics (formerly Invitae), Labcorp); PubMed 17345604 (cited by Labcorp Genetics (formerly Invitae), Labcorp); PubMed 20690115 (cited by Labcorp Genetics (formerly Invitae), Labcorp).